The following is an entry in ClinVar:

ClinVar aggregate classification (germline): Pathogenic. Review status: criteria provided, multiple submitters, no conflicts (2 of 4 stars). 3 submissions from 3 submitters: Pathogenic (2). 1 of the submissions does not count toward it. Last evaluated 2021-03-01.

Conditions:
Marfan syndrome (MFS). Also called: MARFAN SYNDROME, TYPE I; FBN1-Related Marfan Syndrome; Marfan syndrome type 1; Marfan's syndrome; Marfan syndrome, classic. Identifiers: Orphanet 284963, Orphanet 558, MedGen C0024796, MONDO:0007947, OMIM 154700.
Familial thoracic aortic aneurysm and aortic dissection (TAAD). Also called: Thoracic aortic aneurysms and dissections. Identifiers: Orphanet 91387, MedGen C4707243, MONDO:0019625.

Submissions (3):

Centre of Medical Genetics, University of Antwerp
Classification: Pathogenic for Marfan syndrome. Last evaluated: 2021-03-01. Review status: criteria provided, single submitter. Criteria: Submitter's publication. Collection method: research. Allele origin: unknown. Affected: yes.
Comment: PM2, PVS1, PP4

Labcorp Genetics (formerly Invitae), Labcorp
Classification: Pathogenic for Marfan syndrome; Familial thoracic aortic aneurysm and aortic dissection. Last evaluated: 2017-05-22. Review status: criteria provided, single submitter. Criteria: Invitae Variant Classification Sherloc (09022015). Collection method: clinical testing. Allele origin: germline.
Comment: Loss-of-function variants in FBN1 are known to be pathogenic (PMID: 17657824, 19293843). For these reasons, this variant has been classified as Pathogenic. This variant has not been reported in the literature in individuals with a FBN1-related disease. This variant is not present in population databases (ExAC no frequency). This sequence change creates a premature translational stop signal (p.Leu2216Serfs*7) in the FBN1 gene. It is expected to result in an absent or disrupted protein product.

Center for Medical Genetics Ghent, University of Ghent
Classification: Likely pathogenic for Marfan syndrome. Last evaluated: 2017-11-07. Review status: no assertion criteria provided. Collection method: clinical testing. Allele origin: germline. Affected: yes. Not counted in ClinVar's aggregate classification.

Literature cited by the submitters: PubMed 17657824 (cited by Labcorp Genetics (formerly Invitae), Labcorp); PubMed 19293843 (cited by Labcorp Genetics (formerly Invitae), Labcorp).

NM_000138.5(FBN1):c.6645del (p.Leu2216fs)

Gene: FBN1 (fibrillin 1; minus strand). Cytogenetic location: 15q21.1.
Variant type: Deletion.
Coding change: c.6645del on transcript NM_000138.5 (MANE Select); coding-DNA position 6645, one base deleted (G; older notation c.6645delG).
Protein change: p.Leu2216fs; shifts the reading frame from leucine 2216.
Molecular consequence: frameshift variant.
Genome position (GRCh38, 1-based): chr15:48,432,960, C deleted on the plus strand (G on the coding strand, the reverse complement: FBN1 is on the minus strand). VCF-style (leftmost placement, unchanged base first): chr15-48432959-GC-G. GRCh37 (hg19) VCF-style: chr15-48725156-GC-G.
Other names: c.6645delG (NM_000138.4).
Identifiers: ClinVar variation 457249 (VCV000457249.23), dbSNP rs1555394928, ClinGen allele CA658656468.
Genomic context (GRCh38, chr15:48,432,959, plus strand): 5'-ATCCCACGGGACATTTGCATTCATATGACCCATAAGTGTTCACACATCGGAAGGCACAGA[GC>G]AGAGGATTCTGGGCACATTCATTTATATCTGCAGCAGAGGAGAGTAAGTAAATAAGGGAT-3'